The following is an entry in ClinVar:

ClinVar aggregate classification (germline): Uncertain significance (1 of 4 stars; one submission).

Conditions:
Predisposition to invasive fungal disease due to CARD9 deficiency (IMD103). Also called: Candidiasis, familial, 2, autosomal recessive; IMMUNODEFICIENCY 103, SUSCEPTIBILITY TO FUNGAL INFECTIONS; CARD9 IMMUNODEFICIENCY. Identifiers: Orphanet 457088, MedGen C1859353, MONDO:0008905, OMIM 212050.

Allele frequency attached by ClinVar (database versions not stated): gnomAD exomes below 0.00001; TOPMed below 0.00001.

Submission:

Labcorp Genetics (formerly Invitae), Labcorp
Classification: Uncertain significance for Predisposition to invasive fungal disease due to CARD9 deficiency. Last evaluated: 2022-12-02. Review status: criteria provided, single submitter. Criteria: Invitae Variant Classification Sherloc (09022015). Collection method: clinical testing. Allele origin: germline.
Comment: In summary, the available evidence is currently insufficient to determine the role of this variant in disease. Therefore, it has been classified as a Variant of Uncertain Significance. Advanced modeling of protein sequence and biophysical properties (such as structural, functional, and spatial information, amino acid conservation, physicochemical variation, residue mobility, and thermodynamic stability) performed at Invitae indicates that this missense variant is not expected to disrupt CARD9 protein function. ClinVar contains an entry for this variant (Variation ID: 947818). This variant has not been reported in the literature in individuals affected with CARD9-related conditions. This variant is not present in population databases (gnomAD no frequency). This sequence change replaces methionine, which is neutral and non-polar, with threonine, which is neutral and polar, at codon 124 of the CARD9 protein (p.Met124Thr).

NM_052813.5(CARD9):c.371T>C (p.Met124Thr)

Gene: CARD9 (caspase recruitment domain family member 9; minus strand). Cytogenetic location: 9q34.3.
Variant type: single nucleotide variant.
Coding change: c.371T>C on transcript NM_052813.5 (MANE Select); coding-DNA position 371, T replaced by C.
Protein change: p.Met124Thr; replaces methionine 124 with threonine.
Molecular consequence: missense variant.
Genome position (GRCh38, 1-based): chr9:136,371,097, A>G on the plus strand (T>C on the coding strand, the complement: CARD9 is on the minus strand). VCF-style: chr9-136371097-A-G. GRCh37 (hg19) VCF-style: chr9-139265549-A-G.
Other names: c.371T>C, p.Met124Thr (NM_052814.4); short protein forms M124T.
Identifiers: ClinVar variation 947818 (VCV000947818.10), dbSNP rs1274878660, ClinGen allele CA375545612.